The following is an entry in ClinVar:

ClinVar aggregate classification (germline): Pathogenic. Review status: criteria provided, multiple submitters, no conflicts (2 of 4 stars). 4 submissions from 4 submitters: Pathogenic (4). Last evaluated 2025-07-18.

Conditions:
TTN-related disorder. Also called: TTN-related disorders; TTN-related condition; TTN-related disease.
Cardiovascular phenotype. Identifiers: MedGen CN230736.
Dilated cardiomyopathy 1G (CMD1G). Identifiers: Orphanet 154, MedGen C1858763, MONDO:0011400, OMIM 604145.

Submissions (4):

Ambry Genetics
Classification: Pathogenic for Cardiovascular phenotype. Last evaluated: 2025-07-18. Review status: criteria provided, single submitter. Criteria: Ambry Variant Classification Scheme 2023. Collection method: clinical testing. Allele origin: germline.
Comment: The c.48984_48985ins23 pathogenic mutation, located in coding exon 153 of the TTN gene, results from an insertion of 23 nucleotides at position 48984, causing a translational frameshift with a predicted alternate stop codon (p.S16329Nfs*30). This exon is located in the A-band region of the N2-B isoform of the titin protein and is constitutively expressed in TTN transcripts (percent spliced in or PSI 100%). This variant was reported in individual(s) with features consistent with dilated cardiomyopathy (external communication; Ambry internal data). This variant is considered to be rare based on population cohorts in the Genome Aggregation Database (gnomAD). This variant is expected to result in loss of function by premature protein truncation or nonsense-mediated mRNA decay. While truncating variants in TTN are present in 1-3% of the general population, truncating variants in the A-band are the most common cause of dilated cardiomyopathy (Herman DS et al. N. Engl. J. Med., 2012 Feb;366:619-28; Roberts AM et al. Sci Transl Med, 2015 Jan;7:270ra6). TTN truncating variants encoded in constitutive exons (PSI >90%) have been found to be significantly associated with DCM regardless of their position in titin (Schafer S et al. Nat. Genet., 2017 01;49:46-53; Akhtar MM et al. Circ Heart Fail, 2020 Oct;13:e006832; Massier M et al. Clin Genet, 2025 Jan). Based on the supporting evidence, this variant is interpreted as a disease-causing mutation.

Blueprint Genetics
Classification: Pathogenic for TTN-related disorders. Last evaluated: 2024-01-24. Review status: criteria provided, single submitter. Criteria: ACMG Guidelines, 2015. Collection method: clinical testing. Allele origin: germline. Affected: yes. Observed: 2 variant alleles.

Molecular Diagnostic Laboratory for Inherited Cardiovascular Disease, Montreal Heart Institute
Classification: Pathogenic. Last evaluated: 2016-10-27. Review status: criteria provided, single submitter. Criteria: ACMG Guidelines, 2015. Collection method: clinical testing. Allele origin: germline. Affected: yes.

Labcorp Genetics (formerly Invitae), Labcorp
Classification: Pathogenic for Dilated cardiomyopathy 1G. Last evaluated: 2016-03-08. Review status: criteria provided, single submitter. Criteria: Invitae Variant Classification Sherloc (09022015). Collection method: clinical testing. Allele origin: germline.
Comment: This sequence change inserts 23 nucleotides in exon 326 of the TTN mRNA (c.76179_76180ins23), causing a frameshift at codon 25394. This creates a premature translational stop signal (p.Ser25394Asnfs*30) and is expected to result in an absent or disrupted protein product. This variant is found in the A-band of this gene. Truncating variants in the A-band of TTN are likely pathogenic (PMID: 25589632). For these reasons, this variant has been classified as Pathogenic.

NM_001267550.2(TTN):c.76179_76180insAACTTAGTGAACCAAGCCCTCCT (p.Ser25394fs)

Genes: TTN (titin; minus strand), TTN-AS1 (TTN antisense RNA 1; plus strand). Cytogenetic location: 2q31.2.
Variant type: Insertion.
Coding change: c.76179_76180insAACTTAGTGAACCAAGCCCTCCT on transcript NM_001267550.2 (MANE Select); coding-DNA positions 76179 to 76180, AACTTAGTGAACCAAGCCCTCCT inserted.
Protein change: p.Ser25394fs; shifts the reading frame from serine 25394.
Molecular consequence: frameshift variant.
Genome position: GRCh38 VCF-style: chr2-178569952-A-AAGGAGGGCTTGGTTCACTAAGTT. GRCh37 (hg19) VCF-style: chr2-179434679-A-AAGGAGGGCTTGGTTCACTAAGTT.
Other names: c.71256_71257insAACTTAGTGAACCAAGCCCTCCT, p.Ser23753fs (NM_001256850.1); c.48984_48985insAACTTAGTGAACCAAGCCCTCCT, p.Ser16329fs (NM_003319.4); c.68475_68476insAACTTAGTGAACCAAGCCCTCCT, p.Ser22826fs (NM_133378.4); c.49359_49360insAACTTAGTGAACCAAGCCCTCCT, p.Ser16454fs (NM_133432.3); c.49560_49561insAACTTAGTGAACCAAGCCCTCCT, p.Ser16521fs (NM_133437.4); short protein forms S22826fs, S16329fs, S16521fs, S23753fs, S16454fs, S25394fs.
Identifiers: ClinVar variation 238845 (VCV000238845.4), dbSNP rs878854335, ClinGen allele CA10581842.